The following is an entry in ClinVar:

NM_000059.4(BRCA2):c.6036_6037insTAGTGGAAAATCTGTCCAGGTATCAGATGCTTCATTACAAAACGCAAGACAAGTGTTTTCTGAAATAGAAGATAGTACCAAGCAAGTCTTTTCC (p.Lys2013Ter)

Gene: BRCA2 (BRCA2 DNA repair associated; plus strand). Cytogenetic location: 13q13.1.
Variant type: Insertion.
Coding change: c.6036_6037insTAGTGGAAAATCTGTCCAGGTATCAGATGCTTCATTACAAAACGCAAGACAAGTGTTTTCTGAAATAGAAGATAGTACCAAGCAAGTCTTTTCC on transcript NM_000059.4 (MANE Select); coding-DNA positions 6036 to 6037, TAGTGGAAAATCTGTCCAGGTATCAGATGCTTCATTACAAAACGCAAGACAAGTGTTTTCTGAAATAGAAGATAGTACCAAGCAAGTCTTTTCC inserted.
Protein change: p.Lys2013Ter; replaces lysine 2013 with a stop codon.
Molecular consequence: nonsense. On other transcripts: frameshift variant (2).
Genome position: GRCh38: chr13:32,340,391-32,340,392. GRCh37 (hg19): chr13:32,914,528-32,914,529.
Other names: c.6036_6037insTAGTGGAAAATCTGTCCAGGTATCAGATGCTTCATTACAAAACGCAAGACAAGTGTTTTCTGAAATAGAAGATAGTACCAAGCAAGTCTTTTCC, p.Lys2013Terfs (NM_001406719.1, NM_001406720.1); short protein forms K2013*.
Identifiers: ClinVar variation 2021346 (VCV002021346.4), dbSNP rs2548532178, ClinGen allele CA2580087783.

ClinVar aggregate classification (germline): Pathogenic (1 of 4 stars; one submission).

Conditions:
Hereditary breast ovarian cancer syndrome. Also called: Breast and ovarian cancer; BRCA1- and BRCA2-Associated Hereditary Breast and Ovarian Cancer; Hereditary breast and ovarian cancer; Hereditary breast and ovarian cancer syndrome (HBOC); Hereditary breast and ovarian cancer syndrome; Hereditary breast and/or ovarian cancer syndrome. Identifiers: Orphanet 145, MedGen C0677776, MeSH D061325, MONDO:0003582. Disease mechanism: loss of function.

Submission:

Labcorp Genetics (formerly Invitae), Labcorp
Classification: Pathogenic for Hereditary breast ovarian cancer syndrome. Last evaluated: 2022-08-03. Review status: criteria provided, single submitter. Criteria: Invitae Variant Classification Sherloc (09022015). Collection method: clinical testing. Allele origin: germline.
Comment: For these reasons, this variant has been classified as Pathogenic. This premature translational stop signal has been observed in individual(s) with breast cancer, ovarian cancer and fallopian tube cancer (PMID: 11802209, 22006311, 24504028). This variant is not present in population databases (gnomAD no frequency). This sequence change creates a premature translational stop signal (p.Lys2013*) in the BRCA2 gene. It is expected to result in an absent or disrupted protein product. Loss-of-function variants in BRCA2 are known to be pathogenic (PMID: 20104584).

Literature cited by the submitters: PubMed 11802209; PubMed 22006311; PubMed 24504028; PubMed 20104584.